The following is an entry in ClinVar:

ClinVar aggregate classification (germline): Likely benign (0 of 4 stars; one submission).

Conditions:
CASR-related disorder. Also called: CASR-related condition.

Allele frequency attached by ClinVar (database versions not stated): gnomAD exomes 0.00001.

Submission:

PreventionGenetics, part of Exact Sciences
Classification: Likely benign for CASR-related condition. Last evaluated: 2021-04-27. Review status: no assertion criteria provided. Collection method: clinical testing. Allele origin: germline.
Comment: This variant is classified as likely benign based on ACMG/AMP sequence variant interpretation guidelines (Richards et al. 2015 PMID: 25741868, with internal and published modifications).

NM_000388.4(CASR):c.1378-21T>C

Gene: CASR (calcium sensing receptor; plus strand). Cytogenetic location: 3q21.1.
Variant type: single nucleotide variant.
Coding change: c.1378-21T>C on transcript NM_000388.4 (MANE Select); 21 bases into the intron before coding-DNA position 1378, T replaced by C.
Molecular consequence: intron variant.
Genome position (GRCh38, 1-based): chr3:122,275,791, T>C. VCF-style: chr3-122275791-T-C. GRCh37 (hg19) VCF-style: chr3-121994638-T-C.
Other names: c.1378-21T>C (NM_001178065.2).
Identifiers: ClinVar variation 3058981 (VCV003058981.2), dbSNP rs2473257261, ClinGen allele CA2577870056.
Genomic context (GRCh38, chr3:122,275,791, plus strand): 5'-GTTGTTGTGCAGGGCACAGCCTACCTAATTAGTTCTATGTGGCAGCCCTGGGGCTTGTAC[T>C]CATTCTTTGCTCCTCTTTAGGTCCTGAAGCACCTACGGCATCTAAACTTTACAAACAATA-3'